The following is an entry in ClinVar:

ClinVar aggregate classification (germline): Uncertain significance (1 of 4 stars; one submission).

Conditions:
Amyotrophic lateral sclerosis type 1 (ALS1). Also called: AMYOTROPHIC LATERAL SCLEROSIS 1, FAMILIAL. Identifiers: Orphanet 803, MedGen C1862939, MONDO:0007103, OMIM 105400.
Neuronopathy, distal hereditary motor, type 7B. Also called: HMN VIIB; LOWER MOTOR NEURON DISEASE, DYNACTIN TYPE; NEURONOPATHY, DISTAL HEREDITARY MOTOR, AUTOSOMAL DOMINANT 14; NEURONOPATHY, DISTAL HEREDITARY MOTOR, HARDING TYPE VIIB; NEUROPATHY, DISTAL HEREDITARY MOTOR, HARDING TYPE VIIB; NEUROPATHY, DISTAL HEREDITARY MOTOR, WITH VOCAL CORD PARALYSIS, HARDING TYPE VIIB. Identifiers: Orphanet 139589, MedGen C1843315, MONDO:0011879, OMIM 607641.
Perry syndrome. Also called: PARKINSONISM WITH ALVEOLAR HYPOVENTILATION AND MENTAL DEPRESSION. Identifiers: Orphanet 178509, MedGen C1868594, MONDO:0008201, OMIM 168605.

Allele frequency attached by ClinVar (database versions not stated): gnomAD exomes below 0.00001.
gnomAD v4.1: 1 of 1,614,122 alleles (0.000062%); highest among the groups gnomAD compares: Non-Finnish European, 0.000085%; no homozygotes.

Submission:

Labcorp Genetics (formerly Invitae), Labcorp
Classification: Uncertain significance for Amyotrophic lateral sclerosis type 1; Neuronopathy, distal hereditary motor, type 7B; Perry syndrome. Last evaluated: 2023-02-02. Review status: criteria provided, single submitter. Criteria: Invitae Variant Classification Sherloc (09022015). Collection method: clinical testing. Allele origin: germline.
Comment: This variant has not been reported in the literature in individuals affected with DCTN1-related conditions. In summary, the available evidence is currently insufficient to determine the role of this variant in disease. Therefore, it has been classified as a Variant of Uncertain Significance. Algorithms developed to predict the effect of missense changes on protein structure and function (SIFT, PolyPhen-2, Align-GVGD) all suggest that this variant is likely to be disruptive. This variant is not present in population databases (gnomAD no frequency). This sequence change replaces glutamic acid, which is acidic and polar, with lysine, which is basic and polar, at codon 1237 of the DCTN1 protein (p.Glu1237Lys).

NM_004082.5(DCTN1):c.3709G>A (p.Glu1237Lys)

Gene: DCTN1 (dynactin subunit 1; minus strand). Cytogenetic location: 2p13.1.
Variant type: single nucleotide variant.
Coding change: c.3709G>A on transcript NM_004082.5 (MANE Select); coding-DNA position 3709, G replaced by A.
Protein change: p.Glu1237Lys; replaces glutamic acid 1237 with lysine.
Molecular consequence: missense variant. On other transcripts: non-coding transcript variant (1).
Genome position (GRCh38, 1-based): chr2:74,361,627, C>T on the plus strand (G>A on the coding strand, the complement: DCTN1 is on the minus strand). VCF-style: chr2-74361627-C-T. GRCh37 (hg19) VCF-style: chr2-74588754-C-T.
Other names: c.3634G>A, p.Glu1212Lys (NM_001135040.3); c.3292G>A, p.Glu1098Lys (NM_001135041.3); c.3583G>A, p.Glu1195Lys (NM_001190836.2); c.3688G>A, p.Glu1230Lys (NM_001190837.2); c.3658G>A, p.Glu1220Lys (NM_001378991.1); c.3640G>A, p.Glu1214Lys (NM_001378992.1); c.3307G>A, p.Glu1103Lys (NM_023019.4); short protein forms E1212K, E1195K, E1103K, E1220K, E1237K, E1098K, E1214K, E1230K.
Identifiers: ClinVar variation 2936475 (VCV002936475.3), dbSNP rs2529066508, ClinGen allele CA347334665.
Genomic context (GRCh38, chr2:74,361,627, plus strand): 5'-CAAAACCAGCCGCACATGAGAAGGTCACTTTGCCCATGTAGACTGTGTCATCCTGCTGCT[C>T]CTCCTTGGCCTGGTGGTTGATGAGGAGAAAAAGACTCCAGGTCAGGGGCTCACTTGAGCT-3'
Protein context (NP_004073.2, residues 1227-1247): PSSAFLRAKE[Glu1237Lys]QQDDTVYMGK